The following is an entry in ClinVar:

NM_024426.6(WT1):c.980G>A (p.Ser327Asn)

Gene: WT1 (WT1 transcription factor; minus strand). Cytogenetic location: 11p13.
Variant type: single nucleotide variant.
Coding change: c.980G>A on transcript NM_024426.6 (MANE Select); coding-DNA position 980, G replaced by A.
Protein change: p.Ser327Asn; replaces serine 327 with asparagine.
Molecular consequence: missense variant. On other transcripts: non-coding transcript variant (1), intron variant (2).
Genome position (GRCh38, 1-based): chr11:32,416,526, C>T on the plus strand (G>A on the coding strand, the complement: WT1 is on the minus strand). VCF-style: chr11-32416526-C-T. GRCh37 (hg19) VCF-style: chr11-32438072-C-T.
Other names: c.329G>A, p.Ser110Asn (NM_001198551.2); c.980G>A, p.Ser327Asn (NM_001407044.1, NM_001407046.1, NM_024424.5); c.857G>A, p.Ser286Asn (NM_001407047.1); c.218G>A, p.Ser73Asn (NM_001407051.1); c.965+1051G>A (NM_000378.6); c.314+1051G>A (NM_001198552.2); short protein forms S327N, S110N, S286N, S322N, S73N.
Identifiers: ClinVar variation 845064 (VCV000845064.11), dbSNP rs1308955642, ClinGen allele CA379961838.

ClinVar aggregate classification (germline): Conflicting classifications of pathogenicity. Review status: criteria provided, conflicting classifications (1 of 4 stars). 3 submissions from 3 submitters: Uncertain significance (1); Benign (1); Likely benign (1). Last evaluated 2025-07-23.

Conditions:
Inborn genetic diseases. Identifiers: MedGen C0950123, MeSH D030342.
Ovarian cancer. Also called: OVARIAN CANCER, SOMATIC. Identifiers: Orphanet 213500, MedGen C1140680, MONDO:0008170, OMIM 167000.
Frasier syndrome. Identifiers: Orphanet 347, MedGen C0950122, MeSH D052159, MONDO:0007635, OMIM 136680.
Drash syndrome (DDS). Also called: WILMS TUMOR AND PSEUDO- OR TRUE HERMAPHRODITISM; NEPHROPATHY, WILMS TUMOR, AND GENITAL ANOMALIES. Identifiers: Orphanet 220, MedGen C0950121, MONDO:0008682, OMIM 194080.
Wilms tumor 1 (WT1). Also called: Wilms tumor, somatic. Identifiers: Orphanet 654, MedGen CN033288, MONDO:0008679, OMIM 194070.
11p partial monosomy syndrome (WAGR). Also called: WAGR Complex; WAGR syndrome; WAGR Spectrum Disorder; CHROMOSOME 11p13 DELETION SYNDROME. Identifiers: Orphanet 893, MedGen C0206115, MONDO:0008681, OMIM 194072.

Allele frequency attached by ClinVar (database versions not stated): gnomAD exomes below 0.00001; TOPMed below 0.00001; gnomAD 0.00001.
gnomAD v4.1: 4 of 1,613,970 alleles (0.00025%); highest among the groups gnomAD compares: East Asian, 0.0022%; no homozygotes.

Submissions (3):

Ambry Genetics
Classification: Likely benign for Inborn genetic diseases. Last evaluated: 2025-07-23. Review status: criteria provided, single submitter. Criteria: Ambry Variant Classification Scheme 2023. Collection method: clinical testing. Allele origin: germline.

Labcorp Genetics (formerly Invitae), Labcorp
Classification: Uncertain significance for Wilms tumor 1; Drash syndrome; 11p partial monosomy syndrome; Frasier syndrome. Last evaluated: 2025-04-27. Review status: criteria provided, single submitter. Criteria: Invitae Variant Classification Sherloc (09022015). Collection method: clinical testing. Allele origin: germline.
Comment: This sequence change replaces serine, which is neutral and polar, with asparagine, which is neutral and polar, at codon 322 of the WT1 protein (p.Ser322Asn). This variant is present in population databases (no rsID available, gnomAD 0.0009%). This variant has not been reported in the literature in individuals affected with WT1-related conditions. ClinVar contains an entry for this variant (Variation ID: 845064). An algorithm developed to predict the effect of missense changes on protein structure and function outputs the following: PolyPhen-2: "Benign". The asparagine amino acid residue is found in multiple mammalian species, which suggests that this missense change does not adversely affect protein function. In summary, the available evidence is currently insufficient to determine the role of this variant in disease. Therefore, it has been classified as a Variant of Uncertain Significance.

Laboratory of Molecular Epidemiology of Birth Defects, West China Second University Hospital, Sichuan University
Classification: Benign for Ovarian cancer. Last evaluated: 2022-01-01. Review status: criteria provided, single submitter. Criteria: ACMG Guidelines, 2015. Collection method: clinical testing. Allele origin: germline. Affected: yes.